The following is an entry in ClinVar:

ClinVar aggregate classification (germline): Pathogenic. Review status: criteria provided, multiple submitters, no conflicts (2 of 4 stars). 2 submissions from 2 submitters: Pathogenic (2). Last evaluated 2026-10-23.

Conditions:
Cohen syndrome (COH1). Also called: PEPPER SYNDROME; Cutis verticis gyrata, retinitis pigmentosa, and sensorineural deafness. Identifiers: Orphanet 193, MedGen C0265223, MONDO:0008999, OMIM 216550.

Allele frequency attached by ClinVar (database versions not stated): gnomAD exomes below 0.00001.
gnomAD v4.1: 1 of 1,612,606 alleles (0.000062%); highest among the groups gnomAD compares: Non-Finnish European, 0.000085%; no homozygotes.

Submissions (2):

Gene Mapping Laboratory, Hacettepe University
Classification: Pathogenic for Cohen syndrome. Last evaluated: 2026-10-23. Review status: criteria provided, single submitter. Criteria: ACMG Guidelines, 2015. Collection method: research. Allele origin: inherited. Inheritance: Autosomal recessive inheritance. Affected: yes. Observed: 1 variant allele, 1 homozygote.
Comment: This homozygous nonsense variant introduces a premature termination codon and is expected to result in loss of VPS13B function (PVS1). This variant is rare in population databases (PM2) and the patient's characteristic findings, including developmental delay, microcephaly, neutropenia, and growth restriction are compatible with Cohen Syndrome (PP4). This variant has also been reported in ClinVar as pathogenic (PP5).

Labcorp Genetics (formerly Invitae), Labcorp
Classification: Pathogenic for Cohen syndrome. Last evaluated: 2020-12-19. Review status: criteria provided, single submitter. Criteria: Invitae Variant Classification Sherloc (09022015). Collection method: clinical testing. Allele origin: germline.
Comment: This sequence change creates a premature translational stop signal (p.Trp778*) in the VPS13B gene. It is expected to result in an absent or disrupted protein product. Loss-of-function variants in VPS13B are known to be pathogenic (PMID: 15141358, 16648375, 20461111). This variant is not present in population databases (ExAC no frequency). This variant has not been reported in the literature in individuals with VPS13B-related conditions. For these reasons, this variant has been classified as Pathogenic.

Literature cited by the submitters: PubMed 15141358 (cited by Labcorp Genetics (formerly Invitae), Labcorp); PubMed 16648375 (cited by Labcorp Genetics (formerly Invitae), Labcorp); PubMed 20461111 (cited by Labcorp Genetics (formerly Invitae), Labcorp).

NM_152564.5(VPS13B):c.2334G>A (p.Trp778Ter)

Gene: VPS13B (vacuolar protein sorting 13 homolog B; plus strand). Cytogenetic location: 8q22.2.
Variant type: single nucleotide variant.
Coding change: c.2334G>A on transcript NM_152564.5 (MANE Select); coding-DNA position 2334, G replaced by A.
Protein change: p.Trp778Ter; replaces tryptophan 778 with a stop codon.
Molecular consequence: nonsense.
Genome position (GRCh38, 1-based): chr8:99,192,876, G>A. VCF-style: chr8-99192876-G-A. GRCh37 (hg19) VCF-style: chr8-100205104-G-A.
Other names: c.2334G>A, p.Trp778Ter (NM_015243.3, NM_017890.5); short protein forms W778*.
Identifiers: ClinVar variation 1384319 (VCV001384319.7), dbSNP rs2132727940, ClinGen allele CA371861455.